The following is an entry in ClinVar:

NM_004415.4(DSP):c.852G>T (p.Met284Ile)

Gene: DSP (desmoplakin; plus strand). Cytogenetic location: 6p24.3.
Variant type: single nucleotide variant.
Coding change: c.852G>T on transcript NM_004415.4 (MANE Select); coding-DNA position 852, G replaced by T.
Protein change: p.Met284Ile; replaces methionine 284 with isoleucine.
Molecular consequence: missense variant.
Genome position (GRCh38, 1-based): chr6:7,565,433, G>T. VCF-style: chr6-7565433-G-T. GRCh37 (hg19) VCF-style: chr6-7565666-G-T.
Other names: c.852G>T, p.Met284Ile (NM_001008844.3, NM_001319034.2, NM_001406591.1); short protein forms M284I.
Identifiers: ClinVar variation 3763117 (VCV003763117.2).
Genomic context (GRCh38, chr6:7,565,433, plus strand): 5'-GAGGATGGATCACCTGCGACAGCTGCAGAACATCATTCAGGCCACGTCCAGGGAGATCAT[G>T]TGGATCAATGACTGCGAGGAGGAGGAGCTGCTGTACGACTGGAGCGACAAGAACACCAAC-3'
Protein context (NP_004406.2, residues 274-294): NIIQATSREI[Met284Ile]WINDCEEEEL

ClinVar aggregate classification (germline): Uncertain significance (1 of 4 stars; one submission).

Conditions:
Arrhythmogenic cardiomyopathy with wooly hair and keratoderma. Also called: PALMOPLANTAR KERATODERMA WITH LEFT VENTRICULAR CARDIOMYOPATHY AND WOOLLY HAIR; Carvajal syndrome; Dilated cardiomyopathy with woolly hair and keratoderma; Arrhythmogenic cardiomyopathy with woolly hair and keratoderma. Identifiers: Orphanet 65282, MedGen C1854063, MONDO:0011581, OMIM 605676.
Arrhythmogenic right ventricular dysplasia 8 (ARVD8). Also called: Arrhythmogenic Right Ventricular Dysplasia/Cardiomyopathy 8; ARRHYTHMOGENIC RIGHT VENTRICULAR CARDIOMYOPATHY 8; ARRHYTHMOGENIC RIGHT VENTRICULAR DYSPLASIA, FAMILIAL, 8. Identifiers: MedGen C1843896, MONDO:0011831, OMIM 607450.

Submission:

Labcorp Genetics (formerly Invitae), Labcorp
Classification: Uncertain significance for Arrhythmogenic cardiomyopathy with wooly hair and keratoderma; Arrhythmogenic right ventricular dysplasia 8. Last evaluated: 2024-05-04. Review status: criteria provided, single submitter. Criteria: Invitae Variant Classification Sherloc (09022015). Collection method: clinical testing. Allele origin: germline.
Comment: This sequence change replaces methionine, which is neutral and non-polar, with isoleucine, which is neutral and non-polar, at codon 284 of the DSP protein (p.Met284Ile). This variant is not present in population databases (gnomAD no frequency). This variant has not been reported in the literature in individuals affected with DSP-related conditions. An algorithm developed to predict the effect of missense changes on protein structure and function (PolyPhen-2) suggests that this variant is likely to be disruptive. In summary, the available evidence is currently insufficient to determine the role of this variant in disease. Therefore, it has been classified as a Variant of Uncertain Significance.